The following is an entry in ClinVar:

NM_001395743.1(PTCHD3):c.1242T>C (p.Val414=)

Gene: PTCHD3 (patched domain containing 3 (gene/pseudogene); minus strand). Cytogenetic location: 10p12.1.
Variant type: single nucleotide variant.
Coding change: c.1242T>C on transcript NM_001395743.1; coding-DNA position 1242, T replaced by C.
Protein change: p.Val414=; no amino-acid change (valine 414 retained).
Molecular consequence: synonymous variant.
Genome position (GRCh38, 1-based): chr10:27,403,327, A>G on the plus strand (T>C on the coding strand, the complement: PTCHD3 is on the minus strand). VCF-style: chr10-27403327-A-G. GRCh37 (hg19) VCF-style: chr10-27692256-A-G.
Other names: c.1242T>C, p.Val414= (NM_001034842.5).
Identifiers: ClinVar variation 2640380 (VCV002640380.24), dbSNP rs148140519, ClinGen allele CA5451619.
Genomic context (GRCh38, chr10:27,403,327, plus strand): 5'-CAACAGCAGGCCAAAGCCGCTCACCACTGCCAAGAAAGCAGAAATCACTCCAAAGGCCGC[A>G]ACACACATTTTGTTTCGTATGCAGTCAAACCTGTAAATTTGGAGGGAAAAATCATGGAAT-3'

ClinVar aggregate classification (germline): Likely benign (1 of 4 stars; one submission).

Allele frequency attached by ClinVar (database versions not stated): 1000 Genomes Project 30x 0.00156; 1000 Genomes Project 0.00160; ExAC 0.00523; TOPMed 0.00534; gnomAD 0.00561; ESP Exome Variant Server 0.00607; gnomAD exomes 0.00844.

Submission:

CeGaT Center for Human Genetics Tuebingen
Classification: Likely benign. Last evaluated: 2022-08-01. Review status: criteria provided, single submitter. Criteria: CeGaT Center For Human Genetics Tuebingen Variant Classification Criteria Version 2. Collection method: clinical testing. Allele origin: germline. Affected: yes. Observed: 1 variant allele.
Comment: PTCHD3: BP4, BP7